The following is an entry in ClinVar:

ClinVar aggregate classification (germline): Pathogenic (1 of 4 stars; one submission).

Conditions:
Cardiovascular phenotype. Identifiers: MedGen CN230736.
Hereditary cancer-predisposing syndrome. Also called: Tumor predisposition; Hereditary neoplastic syndrome; Neoplastic Syndromes, Hereditary; Hereditary Cancer Syndrome. Identifiers: Orphanet 140162, MedGen C0027672, MeSH D009386, MONDO:0015356.

Submission:

Ambry Genetics
Classification: Pathogenic for Cardiovascular phenotype; Hereditary cancer-predisposing syndrome. Last evaluated: 2025-04-04. Review status: criteria provided, single submitter. Criteria: Ambry Variant Classification Scheme 2023. Collection method: clinical testing. Allele origin: germline.
Comment: The c.6642-24_6642-23insALU intronic variant results from an insertion of an Alu element upstream from coding exon 44 in the NF1 gene. This variant was reported in individual(s) with features consistent with neurofibromatosis type 1 (Ambry internal data). In silico splice site analysis predicts that this alteration will weaken the native splice acceptor site. RNA studies have demonstrated that this alteration results in abnormal splicing in the set of samples tested (Ambry internal data). Other variant(s) impacting the same acceptor site (c.6642-2A>G) have been identified in individual(s) with features consistent with neurofibromatosis type 1 (Duat Rodr&iacute;guez A et al. An Pediatr (Barc), 2015 Sep;83:173-82). Based on the supporting evidence, this insertion is interpreted as a disease-causing mutation.

Literature cited by the submitters: PubMed 25541118.

NM_000267.3:c.6642-24_6642-23insALU

Gene: NF1 (neurofibromin 1; plus strand).
Variant type: Insertion.
Identifiers: ClinVar variation 4014736 (VCV004014736.1).